The following is an entry in ClinVar:

ClinVar aggregate classification (germline): Uncertain significance (1 of 4 stars; one submission).

Conditions:
Hereditary cancer-predisposing syndrome. Also called: Tumor predisposition; Hereditary neoplastic syndrome; Neoplastic Syndromes, Hereditary; Hereditary Cancer Syndrome. Identifiers: Orphanet 140162, MedGen C0027672, MeSH D009386, MONDO:0015356.

Allele frequency attached by ClinVar (database versions not stated): gnomAD exomes below 0.00001.
gnomAD v4.1: 1 of 1,613,978 alleles (0.000062%); highest among the groups gnomAD compares: Non-Finnish European, 0.000085%; no homozygotes.

Submission:

Ambry Genetics
Classification: Uncertain significance for Hereditary cancer-predisposing syndrome. Last evaluated: 2019-08-13. Review status: criteria provided, single submitter. Criteria: Ambry Variant Classification Scheme 2023. Collection method: clinical testing. Allele origin: germline.
Comment: The p.N491K variant (also known as c.1473C>A), located in coding exon 8 of the DICER1 gene, results from a C to A substitution at nucleotide position 1473. The asparagine at codon 491 is replaced by lysine, an amino acid with similar properties. This amino acid position is highly conserved in available vertebrate species. In addition, this alteration is predicted to be tolerated by in silico analysis. Since supporting evidence is limited at this time, the clinical significance of this alteration remains unclear.

NM_177438.3(DICER1):c.1473C>A (p.Asn491Lys)

Gene: DICER1 (dicer 1, ribonuclease III; minus strand). Cytogenetic location: 14q32.13.
Variant type: single nucleotide variant.
Coding change: c.1473C>A on transcript NM_177438.3 (MANE Select); coding-DNA position 1473, C replaced by A.
Protein change: p.Asn491Lys; replaces asparagine 491 with lysine.
Molecular consequence: missense variant.
Genome position (GRCh38, 1-based): chr14:95,117,658, G>T on the plus strand (C>A on the coding strand, the complement: DICER1 is on the minus strand). VCF-style: chr14-95117658-G-T. GRCh37 (hg19) VCF-style: chr14-95583995-G-T.
Other names: c.1473C>A, p.Asn491Lys (NM_001195573.1, NM_001271282.3, NM_001291628.2 and 1 more transcripts); short protein forms N491K.
Identifiers: ClinVar variation 819320 (VCV000819320.4), dbSNP rs1595415161, ClinGen allele CA390885496.